The following is an entry in ClinVar:

ClinVar aggregate classification (germline): Conflicting classifications of pathogenicity. Review status: criteria provided, conflicting classifications (1 of 4 stars). 2 submissions from 2 submitters: Uncertain significance (1); Likely benign (1). Last evaluated 2026-08-29.

Conditions:
Inborn genetic diseases. Identifiers: MedGen C0950123, MeSH D030342.
Deafness-lymphedema-leukemia syndrome. Also called: Emberger syndrome; Lymphedema, primary, with myelodysplasia. Identifiers: Orphanet 3226, MedGen C3279664, MONDO:0013540, OMIM 614038.
Monocytopenia with susceptibility to infections. Also called: MONOCYTOPENIA AND MYCOBACTERIAL INFECTION SYNDROME; MONOCYTOPENIA WITH SUSCEPTIBILITY TO MYCOBACTERIAL, FUNGAL, AND PAPILLOMAVIRUS INFECTIONS AND MYELODYSPLASIA; COMBINED IMMUNODEFICIENCY WITH SUSCEPTIBILITY TO MYCOBACTERIAL, VIRAL, AND FUNGAL INFECTIONS; Dendritic cell, monocyte, B lymphocyte, and natural killer lymphocyte deficiency; IMMUNODEFICIENCY 21; GATA2 DEFICIENCY. Identifiers: Orphanet 228423, MedGen C3280030, MONDO:0013607, OMIM 614172.

Allele frequency attached by ClinVar (database versions not stated): gnomAD exomes below 0.00001; ExAC 0.00001; TOPMed 0.00002; gnomAD 0.00001.
gnomAD v4.1: 3 of 1,611,508 alleles (0.00019%); highest among the groups gnomAD compares: African/African-American, 0.0027%; no homozygotes.

Submissions (2):

Ambry Genetics
Classification: Uncertain significance for Inborn genetic diseases. Last evaluated: 2026-08-29. Review status: criteria provided, single submitter. Criteria: Ambry Variant Classification Scheme 2023. Collection method: clinical testing. Allele origin: germline.
Comment: The p.D23N variant (also known as c.67G>A), located in coding exon 1 of the GATA2 gene, results from a G to A substitution at nucleotide position 67. The aspartic acid at codon 23 is replaced by asparagine, an amino acid with highly similar properties. This amino acid position is conserved. In addition, the in silico prediction for this alteration is inconclusive. Based on the available evidence, the clinical significance of this variant remains unclear.

Labcorp Genetics (formerly Invitae), Labcorp
Classification: Likely benign for Monocytopenia with susceptibility to infections; Deafness-lymphedema-leukemia syndrome. Last evaluated: 2023-04-06. Review status: criteria provided, single submitter. Criteria: Invitae Variant Classification Sherloc (09022015). Collection method: clinical testing. Allele origin: germline.

NM_032638.5(GATA2):c.67G>A (p.Asp23Asn)

Gene: GATA2 (GATA binding protein 2; minus strand). Cytogenetic location: 3q21.3.
Variant type: single nucleotide variant.
Coding change: c.67G>A on transcript NM_032638.5 (MANE Select); coding-DNA position 67, G replaced by A.
Protein change: p.Asp23Asn; replaces aspartic acid 23 with asparagine.
Molecular consequence: missense variant.
Genome position (GRCh38, 1-based): chr3:128,486,965, C>T on the plus strand (G>A on the coding strand, the complement: GATA2 is on the minus strand). VCF-style: chr3-128486965-C-T. GRCh37 (hg19) VCF-style: chr3-128205808-C-T.
Other names: c.67G>A (NM_032638.4); c.67G>A, p.Asp23Asn (NM_001145661.2, NM_001145662.1); short protein forms D23N.
Identifiers: ClinVar variation 1058413 (VCV001058413.11), dbSNP rs760183425, ClinGen allele CA2600108.